The following is an entry in ClinVar:

NM_000399.5(EGR2):c.1179C>T (p.Thr393=)

Gene: EGR2 (early growth response 2; minus strand). Cytogenetic location: 10q21.3.
Variant type: single nucleotide variant.
Coding change: c.1179C>T on transcript NM_000399.5 (MANE Select); coding-DNA position 1179, C replaced by T.
Protein change: p.Thr393=; no amino-acid change (threonine 393 retained).
Molecular consequence: synonymous variant.
Genome position (GRCh38, 1-based): chr10:62,813,459, G>A on the plus strand (C>T on the coding strand, the complement: EGR2 is on the minus strand). VCF-style: chr10-62813459-G-A. GRCh37 (hg19) VCF-style: chr10-64573219-G-A.
Other names: c.1179C>T, p.Thr393= (NM_001136177.3, NM_001136178.2); c.1029C>T, p.Thr343= (NM_001136179.3, NM_001321037.2); c.1179C>T (NM_000399.4).
Identifiers: ClinVar variation 812054 (VCV000812054.17), dbSNP rs965148587, ClinGen allele CA208351195.
Genomic context (GRCh38, chr10:62,813,459, plus strand): 5'-CCTCTCATCACTCCGGGCAAACTTTCGGCCACAGTAGTCACAGGCGAAGGGCTTCTCACC[G>A]GTGTGGGTGCGGATATGGGTGGTGAGGTGGTCACTGCGGCTGAAGTTGCGCATGCAGATC-3'
Protein context (NP_000390.2, residues 383-403): DHLTTHIRTH[Thr393=]GEKPFACDYC

ClinVar aggregate classification (germline): Likely benign. Review status: criteria provided, multiple submitters, no conflicts (2 of 4 stars). 3 submissions from 3 submitters: Likely benign (3). Last evaluated 2026-02-12.

Conditions:
EGR2-related disorder. Also called: EGR2-related condition.
Charcot-Marie-Tooth disease, type I (CMT1). Also called: Charcot-Marie-Tooth, Type 1; Charcot-Marie-Tooth disease type 1. Identifiers: Orphanet 65753, MedGen C0751036, MONDO:0019011.

Allele frequency attached by ClinVar (database versions not stated): TOPMed 0.00002; gnomAD 0.00001 and 0.00002; gnomAD exomes 0.00001.
gnomAD v4.1: 39 of 1,614,094 alleles (0.0024%); highest among the groups gnomAD compares: Non-Finnish European, 0.0032%; no homozygotes.

Submissions (3):

PreventionGenetics, part of Exact Sciences
Classification: Likely benign for EGR2-related condition. Last evaluated: 2026-02-12. Review status: criteria provided, single submitter. Criteria: ACMG Guidelines, 2015. Collection method: clinical testing. Allele origin: germline.
Comment: This variant is classified as likely benign based on ACMG/AMP sequence variant interpretation guidelines (Richards et al. 2015 PMID: 25741868, with internal and published modifications).

Labcorp Genetics (formerly Invitae), Labcorp
Classification: Likely benign for Charcot-Marie-Tooth disease, type I. Last evaluated: 2025-02-23. Review status: criteria provided, single submitter. Criteria: Invitae Variant Classification Sherloc (09022015). Collection method: clinical testing. Allele origin: germline.

ARUP Laboratories, Molecular Genetics and Genomics, ARUP Laboratories
Classification: Likely benign. Last evaluated: 2019-06-12. Review status: criteria provided, single submitter. Criteria: ARUP Molecular Germline Variant Investigation Process. Collection method: clinical testing. Allele origin: germline.